The following is an entry in ClinVar:

NM_181507.2(HPS5):c.896+15dup

Gene: HPS5 (HPS5 biogenesis of lysosomal organelles complex 2 subunit 2; minus strand). Cytogenetic location: 11p15.1.
Variant type: Duplication.
Coding change: c.896+15dup on transcript NM_181507.2 (MANE Select); 15 bases into the intron after coding-DNA position 896, one base duplicated (T; older notation c.896+15dupT).
Molecular consequence: intron variant.
Genome position (GRCh38, 1-based): chr11:18,305,407, A duplicated on the plus strand (T on the coding strand, the reverse complement: HPS5 is on the minus strand); the first of 3 consecutive A bases (chr11:18,305,407-18,305,409); duplicating any one gives the same sequence. VCF-style (leftmost placement, unchanged base first): chr11-18305406-G-GA. GRCh37 (hg19) VCF-style: chr11-18326953-G-GA.
Other names: c.482+728dup (NM_001440929.1, NM_001440928.1, NM_001440927.1); c.554+15dup (NM_181508.2, NM_001440921.1, NM_001440926.1 and 7 more transcripts); c.785+15dup (NM_001440915.1, NM_001440914.1, NM_001440913.1); c.896+15dup (NM_001440931.1, NM_001440917.1, NM_001440906.1 and 5 more transcripts); c.821+15dup (NM_001440907.1, NM_001440909.1, NM_001440908.1); c.683+15dup (NM_001440919.1); c.710+15dup (NM_001440918.1); c.896+15dupT (NM_181507.2).
Identifiers: ClinVar variation 1642679 (VCV001642679.9), dbSNP rs562060963, ClinGen allele CA5910309.
Genomic context (GRCh38, chr11:18,305,406, plus strand): 5'-ACTTCTGAACAAGAAACAGAGATAAAAATCTAAGTATTCTTTTTCCCCCCCAGAACTAAG[G>GA]AAAGTAGAAACTTACCTAAGATGTAAGAGTTTGGGGAAAGACAAAGACTGGGAGGATCCA-3'

ClinVar aggregate classification (germline): Benign/Likely benign. Review status: criteria provided, multiple submitters, no conflicts (2 of 4 stars). 2 submissions from 2 submitters: Benign (1); Likely benign (1). Last evaluated 2026-01-25.

Submissions (2):

Labcorp Genetics (formerly Invitae), Labcorp
Classification: Likely benign. Last evaluated: 2026-01-25. Review status: criteria provided, single submitter. Criteria: Invitae Variant Classification Sherloc (09022015). Collection method: clinical testing. Allele origin: germline.

Women's Health and Genetics/Laboratory Corporation of America, LabCorp
Classification: Benign. Last evaluated: 2024-10-30. Review status: criteria provided, single submitter. Criteria: LabCorp Variant Classification Summary - May 2015. Collection method: clinical testing. Allele origin: germline.
Comment: Variant summary: HPS5 c.896+15dupT alters a non-conserved nucleotide located at a position not widely known to affect splicing. Consensus agreement among computation tools predict no significant impact on normal splicing. However, these predictions have yet to be confirmed by functional studies. The variant allele was found at a frequency of 0.00011 in 251072 control chromosomes, predominantly at a frequency of 0.0014 within the African or African-American subpopulation in the gnomAD database. The observed variant frequency within African or African-American control individuals in the gnomAD database is approximately 3-fold of the estimated maximal expected allele frequency for a pathogenic variant in HPS5 causing Hermansky-Pudlak Syndrome phenotype (0.00047). To our knowledge, no occurrence of c.896+15dupT in individuals affected with Hermansky-Pudlak Syndrome and no experimental evidence demonstrating its impact on protein function have been reported. ClinVar contains an entry for this variant (Variation ID: 1642679). Based on the evidence outlined above, the variant was classified as benign.